The following is an entry in ClinVar:

ClinVar aggregate classification (germline): Uncertain significance (1 of 4 stars; one submission).

Allele frequency attached by ClinVar (database versions not stated): 1000 Genomes Project 30x 0.00047; ExAC 0.00004; 1000 Genomes Project 0.00060.
gnomAD v4.1: 278 of 1,614,172 alleles (0.017%); highest among the groups gnomAD compares: East Asian, 0.48%; 1 homozygote.

Submission:

Labcorp Genetics (formerly Invitae), Labcorp
Classification: Uncertain significance. Last evaluated: 2025-03-07. Review status: criteria provided, single submitter. Criteria: Invitae Variant Classification Sherloc (09022015). Collection method: clinical testing. Allele origin: germline.
Comment: This sequence change replaces proline, which is neutral and non-polar, with arginine, which is basic and polar, at codon 1708 of the FOCAD protein (p.Pro1708Arg). This variant is present in population databases (rs76872931, gnomAD 0.04%). This variant has not been reported in the literature in individuals affected with FOCAD-related conditions. ClinVar contains an entry for this variant (Variation ID: 2913740). Experimental studies and prediction algorithms are not available or were not evaluated, and the functional significance of this variant is currently unknown. In summary, the available evidence is currently insufficient to determine the role of this variant in disease. Therefore, it has been classified as a Variant of Uncertain Significance.

NM_001375567.1(FOCAD):c.5123C>G (p.Pro1708Arg)

Gene: FOCAD (focadhesin; plus strand). Cytogenetic location: 9p21.3.
Variant type: single nucleotide variant.
Coding change: c.5123C>G on transcript NM_001375567.1 (MANE Select); coding-DNA position 5123, C replaced by G.
Protein change: p.Pro1708Arg; replaces proline 1708 with arginine.
Molecular consequence: missense variant.
Genome position (GRCh38, 1-based): chr9:20,990,241, C>G. VCF-style: chr9-20990241-C-G. GRCh37 (hg19) VCF-style: chr9-20990240-C-G.
Other names: c.5018C>G, p.Pro1673Arg (NM_001375568.1, NM_001375570.1); c.5123C>G, p.Pro1708Arg (NM_017794.5); short protein forms P1673R, P1708R.
Identifiers: ClinVar variation 2913740 (VCV002913740.3), dbSNP rs76872931, ClinGen allele CA5008204.